The following is an entry in ClinVar:

NM_014915.3(ANKRD26):c.77G>T (p.Gly26Val)

Genes: ANKRD26 (ankyrin repeat domain containing 26; minus strand), LOC130003554 (ATAC-STARR-seq lymphoblastoid silent region 2243; plus strand). Cytogenetic location: 10p12.1.
Variant type: single nucleotide variant.
Coding change: c.77G>T on transcript NM_014915.3 (MANE Select); coding-DNA position 77, G replaced by T.
Protein change: p.Gly26Val; replaces glycine 26 with valine.
Molecular consequence: missense variant.
Genome position (GRCh38, 1-based): chr10:27,100,250, C>A on the plus strand (G>T on the coding strand, the complement: ANKRD26 is on the minus strand). VCF-style: chr10-27100250-C-A. GRCh37 (hg19) VCF-style: chr10-27389179-C-A.
Other names: c.77G>T, p.Gly26Val (NM_001256053.2); short protein forms G26V.
Identifiers: ClinVar variation 3913254 (VCV003913254.1).
Genomic context (GRCh38, chr10:27,100,250, plus strand): 5'-TCTCGGTCTCGGACGTGGTAGCCGGGCTGCGAGTAGGCGCCCTCCCCCGGCTCGCCCCCG[C>A]CTCCCGCGCTGCTCCTCTGCCGCCGCGCGAAGGAGCCCAAGGGCGACTCGCCCTTCTTAC-3'
Protein context (NP_055730.2, residues 16-36): FARRQRSSAG[Gly26Val]GGEPGEGAYS

ClinVar aggregate classification (germline): Uncertain significance (1 of 4 stars; one submission).

Conditions:
Inborn genetic diseases. Identifiers: MedGen C0950123, MeSH D030342.

gnomAD v4.1: 1 of 1,611,500 alleles (0.000062%); highest among the groups gnomAD compares: Non-Finnish European, 0.000085%; no homozygotes.

Submission:

Ambry Genetics
Classification: Uncertain significance for Inborn genetic diseases. Last evaluated: 2025-03-26. Review status: criteria provided, single submitter. Criteria: Ambry Variant Classification Scheme 2023. Collection method: clinical testing. Allele origin: germline.
Comment: The p.G26V variant (also known as c.77G>T), located in coding exon 1 of the ANKRD26 gene, results from a G to T substitution at nucleotide position 77. The glycine at codon 26 is replaced by valine, an amino acid with dissimilar properties. This amino acid position is conserved. In addition, this alteration is predicted to be tolerated by in silico analysis. Based on the available evidence, the clinical significance of this variant remains unclear.